The following is an entry in ClinVar:

ClinVar aggregate classification (germline): Likely benign (0 of 4 stars; one submission).

Conditions:
ATRX-related disorder. Also called: ATRX-related condition.

Submission:

PreventionGenetics, part of Exact Sciences
Classification: Likely benign for ATRX-related condition. Last evaluated: 2023-08-01. Review status: no assertion criteria provided. Collection method: clinical testing. Allele origin: germline.
Comment: This variant is classified as likely benign based on ACMG/AMP sequence variant interpretation guidelines (Richards et al. 2015 PMID: 25741868, with internal and published modifications).

NM_000489.6(ATRX):c.3570A>G (p.Arg1190=)

Gene: ATRX (ATRX chromatin remodeler; minus strand). Cytogenetic location: Xq21.1.
Variant type: single nucleotide variant.
Coding change: c.3570A>G on transcript NM_000489.6 (MANE Select); coding-DNA position 3570, A replaced by G.
Protein change: p.Arg1190=; no amino-acid change (arginine 1190 retained).
Molecular consequence: synonymous variant.
Genome position (GRCh38, 1-based): chrX:77,681,686, T>C on the plus strand (A>G on the coding strand, the complement: ATRX is on the minus strand). VCF-style: chrX-77681686-T-C. GRCh37 (hg19) VCF-style: chrX-76937178-T-C.
Other names: c.3456A>G, p.Arg1152= (NM_138270.5).
Identifiers: ClinVar variation 3049230 (VCV003049230.2), dbSNP rs2148569905, ClinGen allele CA517471608.
Genomic context (GRCh38, chrX:77,681,686, plus strand): 5'-ATCTTCTATATCAGAAGAAGATGAGGATGTAATGTCAGCTTGCTTCCTTTTAGTGCTTGT[T>C]CTTAGGGAGTTTCTCTTTTTCTCCTTGACAATGACTGCCTTCTTTTTAGATGAAGTTCTT-3'
Protein context (NP_000480.3, residues 1180-1200): IVKEKKRNSL[Arg1190=]TSTKRKQADI